The following is an entry in ClinVar:

NM_001379200.1(TBX1):c.1100C>A (p.Pro367Gln)

Gene: TBX1 (T-box transcription factor 1; plus strand). Cytogenetic location: 22q11.21.
Variant type: single nucleotide variant.
Coding change: c.1100C>A on transcript NM_001379200.1 (MANE Select); coding-DNA position 1100, C replaced by A.
Protein change: p.Pro367Gln; replaces proline 367 with glutamine.
Molecular consequence: missense variant. On other transcripts: intron variant (2).
Genome position (GRCh38, 1-based): chr22:19,766,452, C>A. VCF-style: chr22-19766452-C-A. GRCh37 (hg19) VCF-style: chr22-19753975-C-A.
Other names: c.1073C>A, p.Pro358Gln (NM_080647.1); c.1009+450C>A (NM_005992.1, NM_080646.2); short protein forms P367Q, P358Q.
Identifiers: ClinVar variation 3632754 (VCV003632754.3).

ClinVar aggregate classification (germline): Uncertain significance. Review status: criteria provided, multiple submitters, no conflicts (2 of 4 stars). 2 submissions from 2 submitters: Uncertain significance (2). Last evaluated 2025-06-10.

Conditions:
Cardiovascular phenotype. Identifiers: MedGen CN230736.
DiGeorge syndrome. Also called: THIRD AND FOURTH PHARYNGEAL POUCH SYNDROME; Catch22. Identifiers: Orphanet 567, MedGen C0012236, MONDO:0008564, OMIM 188400.

Submissions (2):

Ambry Genetics
Classification: Uncertain significance for Cardiovascular phenotype. Last evaluated: 2025-06-10. Review status: criteria provided, single submitter. Criteria: Ambry Variant Classification Scheme 2023. Collection method: clinical testing. Allele origin: germline.
Comment: The p.P358Q variant (also known as c.1073C>A), located in coding exon 8 of the TBX1 gene, results from a C to A substitution at nucleotide position 1073. The proline at codon 358 is replaced by glutamine, an amino acid with similar properties. This amino acid position is conserved. In addition, this alteration is predicted to be tolerated by in silico analysis. Based on the available evidence, the clinical significance of this variant remains unclear.

Labcorp Genetics (formerly Invitae), Labcorp
Classification: Uncertain significance for DiGeorge syndrome. Last evaluated: 2025-03-31. Review status: criteria provided, single submitter. Criteria: Invitae Variant Classification Sherloc (09022015). Collection method: clinical testing. Allele origin: germline.
Comment: This sequence change replaces proline, which is neutral and non-polar, with glutamine, which is neutral and polar, at codon 358 of the TBX1 protein (p.Pro358Gln). This variant is not present in population databases (gnomAD no frequency). This variant has not been reported in the literature in individuals affected with TBX1-related conditions. An algorithm developed to predict the effect of missense changes on protein structure and function (PolyPhen-2) suggests that this variant is likely to be tolerated. In summary, the available evidence is currently insufficient to determine the role of this variant in disease. Therefore, it has been classified as a Variant of Uncertain Significance.